The following is an entry in ClinVar:

ClinVar aggregate classification (germline): Uncertain significance (1 of 4 stars; one submission).

Conditions:
FG syndrome (FGS). Identifiers: MedGen C0220769, MONDO:0002010.

Allele frequency attached by ClinVar (database versions not stated): gnomAD exomes below 0.00001; ExAC 0.00001; ESP Exome Variant Server 0.00010.
gnomAD v4.1: 5 of 1,210,987 alleles (0.00041%); highest among the groups gnomAD compares: Non-Finnish European, 0.00056%; no homozygotes.

Submission:

Labcorp Genetics (formerly Invitae), Labcorp
Classification: Uncertain significance for FG syndrome. Last evaluated: 2024-04-16. Review status: criteria provided, single submitter. Criteria: Invitae Variant Classification Sherloc (09022015). Collection method: clinical testing. Allele origin: germline.
Comment: This sequence change replaces proline, which is neutral and non-polar, with leucine, which is neutral and non-polar, at codon 1806 of the MED12 protein (p.Pro1806Leu). The frequency data for this variant in the population databases is considered unreliable, as metrics indicate poor data quality at this position in the gnomAD database. This variant has not been reported in the literature in individuals affected with MED12-related conditions. ClinVar contains an entry for this variant (Variation ID: 1478722). Advanced modeling of protein sequence and biophysical properties (such as structural, functional, and spatial information, amino acid conservation, physicochemical variation, residue mobility, and thermodynamic stability) performed at Invitae indicates that this missense variant is not expected to disrupt MED12 protein function with a negative predictive value of 95%. In summary, the available evidence is currently insufficient to determine the role of this variant in disease. Therefore, it has been classified as a Variant of Uncertain Significance.

NM_005120.3(MED12):c.5417C>T (p.Pro1806Leu)

Gene: MED12 (mediator complex subunit 12; plus strand). Cytogenetic location: Xq13.1.
Variant type: single nucleotide variant.
Coding change: c.5417C>T on transcript NM_005120.3 (MANE Select); coding-DNA position 5417, C replaced by T.
Protein change: p.Pro1806Leu; replaces proline 1806 with leucine.
Molecular consequence: missense variant.
Genome position (GRCh38, 1-based): chrX:71,136,895, C>T. VCF-style: chrX-71136895-C-T. GRCh37 (hg19) VCF-style: chrX-70356745-C-T.
Other names: short protein forms P1806L.
Identifiers: ClinVar variation 1478722 (VCV001478722.8), dbSNP rs368093012, ClinGen allele CA10444781.